The following is an entry in ClinVar:

NM_004655.4(AXIN2):c.434T>C (p.Val145Ala)

Gene: AXIN2 (axin 2; minus strand). Cytogenetic location: 17q24.1.
Variant type: single nucleotide variant.
Coding change: c.434T>C on transcript NM_004655.4 (MANE Select); coding-DNA position 434, T replaced by C.
Protein change: p.Val145Ala; replaces valine 145 with alanine.
Molecular consequence: missense variant.
Genome position (GRCh38, 1-based): chr17:65,558,187, A>G on the plus strand (T>C on the coding strand, the complement: AXIN2 is on the minus strand). VCF-style: chr17-65558187-A-G. GRCh37 (hg19) VCF-style: chr17-63554305-A-G.
Other names: c.434T>C, p.Val145Ala (NM_001363813.1); short protein forms V145A.
Identifiers: ClinVar variation 5032577 (VCV005032577.1).

ClinVar aggregate classification (germline): Uncertain significance (1 of 4 stars; one submission).

Conditions:
Hereditary cancer-predisposing syndrome. Also called: Neoplastic Syndromes, Hereditary; Tumor predisposition; Hereditary neoplastic syndrome; Hereditary Cancer Syndrome. Identifiers: Orphanet 140162, MedGen C0027672, MeSH D009386, MONDO:0015356.

Submission:

Ambry Genetics
Classification: Uncertain significance for Hereditary cancer-predisposing syndrome. Last evaluated: 2026-07-06. Review status: criteria provided, single submitter. Criteria: Ambry Variant Classification Scheme 2023. Collection method: clinical testing. Allele origin: germline.
Comment: The p.V145A variant (also known as c.434T>C), located in coding exon 1 of the AXIN2 gene, results from a T to C substitution at nucleotide position 434. The valine at codon 145 is replaced by alanine, an amino acid with similar properties. This amino acid position is conserved. In addition, this alteration is predicted to be tolerated by in silico analysis. Based on the available evidence, the clinical significance of this variant remains unclear.